The following is an entry in ClinVar:

ClinVar aggregate classification (germline): Likely pathogenic (1 of 4 stars; one submission).

Conditions:
Cardiovascular phenotype. Identifiers: MedGen CN230736.

Submission:

Ambry Genetics
Classification: Likely pathogenic for Cardiovascular phenotype. Last evaluated: 2022-11-17. Review status: criteria provided, single submitter. Criteria: Ambry Variant Classification Scheme 2023. Collection method: clinical testing. Allele origin: germline.
Comment: The c.72230_72233delTACA variant, located in coding exon 182 of the TTN gene, results from a deletion of 4 nucleotides at nucleotide positions 72230 to 72233, causing a translational frameshift with a predicted alternate stop codon (p.I24077Kfs*18). This exon is located in the A-band region of the N2-B isoform of the titin protein and is constitutively expressed in TTN transcripts (percent spliced in or PSI 100%). This variant is considered to be rare based on population cohorts in the Genome Aggregation Database (gnomAD). This alteration is expected to result in loss of function by premature protein truncation or nonsense-mediated mRNA decay. While truncating variants in TTN are present in 1-3% of the general population, truncating variants in the A-band are the most common cause of dilated cardiomyopathy (DCM) (Herman DS et al. N. Engl. J. Med., 2012 Feb;366:619-28; Roberts AM et al. Sci Transl Med, 2015 Jan;7:270ra6). TTN truncating variants encoded in constitutive exons (PSI >90%) have been found to be significantly associated with DCM regardless of their position in titin (Schafer S et al. Nat. Genet., 2017 01;49:46-53). Based on the majority of available evidence to date, this variant is likely to be pathogenic.

NM_001267550.2(TTN):c.99425_99428del (p.Ile33142fs)

Genes: TTN (titin; minus strand), TTN-AS1 (TTN antisense RNA 1; plus strand). Cytogenetic location: 2q31.2.
Variant type: Deletion.
Coding change: c.99425_99428del on transcript NM_001267550.2 (MANE Select); coding-DNA positions 99425 to 99428, 4 bases deleted (TACA; older notation c.99425_99428delTACA).
Protein change: p.Ile33142fs; shifts the reading frame from isoleucine 33142.
Molecular consequence: frameshift variant.
Genome position (GRCh38, 1-based): chr2:178,537,779-178,537,782, TGTA deleted on the plus strand (TACA on the coding strand, the reverse complement: TTN is on the minus strand); deleting any 4 consecutive bases within chr2:178,537,779-178,537,784 gives the same sequence; the c. name uses the placement nearest the transcript's 3' end. VCF-style (leftmost placement, unchanged base first): chr2-178537778-TTGTA-T. GRCh37 (hg19) VCF-style: chr2-179402505-TTGTA-T.
Other names: c.94502_94505del, p.Ile31501fs (NM_001256850.1); c.72230_72233del, p.Ile24077fs (NM_003319.4); c.91721_91724del, p.Ile30574fs (NM_133378.4); c.72605_72608del, p.Ile24202fs (NM_133432.3); c.72806_72809del, p.Ile24269fs (NM_133437.4); c.72230_72233delTACA (NM_003319.4); short protein forms I33142fs, I24077fs, I31501fs, I24202fs, I24269fs, I30574fs.
Identifiers: ClinVar variation 2451848 (VCV002451848.2), dbSNP rs2468684173, ClinGen allele CA2580064629.